The following is an entry in ClinVar:

NM_006096.4(NDRG1):c.1088G>A (p.Arg363His)

Gene: NDRG1 (N-myc downstream regulated 1; minus strand). Cytogenetic location: 8q24.22.
Variant type: single nucleotide variant.
Coding change: c.1088G>A on transcript NM_006096.4 (MANE Select); coding-DNA position 1088, G replaced by A.
Protein change: p.Arg363His; replaces arginine 363 with histidine.
Molecular consequence: missense variant.
Genome position (GRCh38, 1-based): chr8:133,238,975, C>T on the plus strand (G>A on the coding strand, the complement: NDRG1 is on the minus strand). VCF-style: chr8-133238975-C-T. GRCh37 (hg19) VCF-style: chr8-134251218-C-T.
Other names: p.Arg363His; c.1088G>A, p.Arg363His (NM_001135242.2, NM_001374845.1, NM_001374846.1); c.890G>A, p.Arg297His (NM_001258432.2, NM_001374847.1); c.845G>A, p.Arg282His (NM_001258433.2); c.1139G>A, p.Arg380His (NM_001374844.1); short protein forms R363H, R297H, R282H, R380H.
Identifiers: ClinVar variation 476844 (VCV000476844.55), dbSNP rs181121989, ClinGen allele CA4886424.

ClinVar aggregate classification (germline): Uncertain significance. Review status: criteria provided, multiple submitters, no conflicts (2 of 4 stars). 9 submissions from 9 submitters: Uncertain significance (8). 1 of the submissions does not count toward it. Last evaluated 2026-09-21.

Conditions:
Inborn genetic diseases. Identifiers: MedGen C0950123, MeSH D030342.
Charcot-Marie-Tooth disease type 4. Also called: Charcot-Marie-Tooth disease, type IV; Charcot-Marie-Tooth, Type 4. Identifiers: Orphanet 64749, MedGen C4082197, MONDO:0018995.
NDRG1-related disorder. Also called: NDRG1-related condition.

Allele frequency attached by ClinVar (database versions not stated): TOPMed 0.00006; ESP Exome Variant Server 0.00008; gnomAD 0.00013 and 0.00014; 1000 Genomes Project 0.00020.

Submissions (9):

PreventionGenetics, part of Exact Sciences
Classification: Uncertain significance for NDRG1-related condition. Last evaluated: 2026-09-21. Review status: criteria provided, single submitter. Criteria: ACMG Guidelines, 2015. Collection method: clinical testing. Allele origin: germline.
Comment: The NDRG1 c.1088G>A variant is predicted to result in the amino acid substitution p.Arg363His. To our knowledge, this variant has not been reported in the literature. This variant is reported in 0.019% of alleles in individuals of African descent in gnomAD. At this time, the clinical significance of this variant is uncertain due to the absence of conclusive functional and genetic evidence.

GeneDx
Classification: Uncertain significance. Last evaluated: 2025-12-31. Review status: criteria provided, single submitter. Criteria: GeneDx Variant Classification Process June 2021. Collection method: clinical testing. Allele origin: germline.
Comment: In silico analysis suggests that this missense variant does not alter protein structure/function; Has not been previously published as pathogenic or benign to our knowledge

Women's Health and Genetics/Laboratory Corporation of America, LabCorp
Classification: Uncertain significance. Last evaluated: 2025-10-27. Review status: criteria provided, single submitter. Criteria: LabCorp Variant Classification Summary - May 2015. Collection method: clinical testing. Allele origin: germline.
Comment: Variant summary: NDRG1 c.1088G>A (p.Arg363His) results in a non-conservative amino acid change in the encoded protein sequence. Algorithms developed to predict the effect of missense changes on protein structure and function are either unavailable or do not agree on the potential impact of this missense change. The variant allele was found at a frequency of 7.3e-05 in 206676 control chromosomes. This frequency is not significantly higher than estimated for disease-causing variants in NDRG1, allowing no conclusion about variant significance. To our knowledge, no occurrence of c.1088G>A in individuals affected with NDRG1-related conditions and no experimental evidence demonstrating its impact on protein function have been reported. ClinVar contains an entry for this variant (Variation ID: 476844). Based on the evidence outlined above, the variant was classified as uncertain significance.

Ambry Genetics
Classification: Uncertain significance for Inborn genetic diseases. Last evaluated: 2024-12-14. Review status: criteria provided, single submitter. Criteria: Ambry Variant Classification Scheme 2023. Collection method: clinical testing. Allele origin: germline.

Mayo Clinic Laboratories, Mayo Clinic
Classification: Uncertain significance. Last evaluated: 2023-04-03. Review status: criteria provided, single submitter. Criteria: ACMG Guidelines, 2015. Collection method: clinical testing. Allele origin: germline. Observed: 1 variant allele.
Comment: BP4, PM2

Labcorp Genetics (formerly Invitae), Labcorp
Classification: Uncertain significance for Charcot-Marie-Tooth disease type 4. Last evaluated: 2022-07-03. Review status: criteria provided, single submitter. Criteria: Invitae Variant Classification Sherloc (09022015). Collection method: clinical testing. Allele origin: germline.
Comment: This sequence change replaces arginine, which is basic and polar, with histidine, which is basic and polar, at codon 363 of the NDRG1 protein (p.Arg363His). This variant is present in population databases (rs181121989, gnomAD 0.02%). This variant has not been reported in the literature in individuals affected with NDRG1-related conditions. ClinVar contains an entry for this variant (Variation ID: 476844). Algorithms developed to predict the effect of missense changes on protein structure and function are either unavailable or do not agree on the potential impact of this missense change (SIFT: "Deleterious"; PolyPhen-2: "Possibly Damaging"; Align-GVGD: "Class C0"). In summary, the available evidence is currently insufficient to determine the role of this variant in disease. Therefore, it has been classified as a Variant of Uncertain Significance.

Athena Diagnostics
Classification: Uncertain significance. Last evaluated: 2020-03-25. Review status: criteria provided, single submitter. Criteria: Athena Diagnostics Criteria. Collection method: clinical testing. Allele origin: unknown.

CeGaT Center for Human Genetics Tuebingen
Classification: Uncertain significance. Last evaluated: 2018-03-01. Review status: criteria provided, single submitter. Criteria: CeGaT Center For Human Genetics Tuebingen Variant Classification Criteria Version 2. Collection method: clinical testing. Allele origin: germline. Affected: yes. Observed: 1 variant allele.

Natera, Inc.
Classification: Uncertain significance for Charcot-Marie-Tooth disease type 4. Last evaluated: 2020-09-16. Review status: no assertion criteria provided. Collection method: clinical testing. Allele origin: germline. Not counted in ClinVar's aggregate classification.